The following is an entry in ClinVar:

NM_001363711.2(DUOX2):c.3364G>T (p.Ala1122Ser)

Gene: DUOX2 (dual oxidase 2; minus strand). Cytogenetic location: 15q21.1.
Variant type: single nucleotide variant.
Coding change: c.3364G>T on transcript NM_001363711.2 (MANE Select); coding-DNA position 3364, G replaced by T.
Protein change: p.Ala1122Ser; replaces alanine 1122 with serine.
Molecular consequence: missense variant.
Genome position (GRCh38, 1-based): chr15:45,099,713, C>A on the plus strand (G>T on the coding strand, the complement: DUOX2 is on the minus strand). VCF-style: chr15-45099713-C-A. GRCh37 (hg19) VCF-style: chr15-45391911-C-A.
Other names: c.3364G>T, p.Ala1122Ser (NM_014080.5); short protein forms A1122S.
Identifiers: ClinVar variation 2860656 (VCV002860656.3), dbSNP rs2504749791, ClinGen allele CA392259997.

ClinVar aggregate classification (germline): Uncertain significance (1 of 4 stars; one submission).

Allele frequency attached by ClinVar (database versions not stated): gnomAD exomes below 0.00001.
gnomAD v4.1: 2 of 1,614,182 alleles (0.00012%); highest among the groups gnomAD compares: Non-Finnish European, 0.00017%; no homozygotes.

Submission:

Labcorp Genetics (formerly Invitae), Labcorp
Classification: Uncertain significance. Last evaluated: 2023-05-07. Review status: criteria provided, single submitter. Criteria: Invitae Variant Classification Sherloc (09022015). Collection method: clinical testing. Allele origin: germline.
Comment: This variant is not present in population databases (gnomAD no frequency). In summary, the available evidence is currently insufficient to determine the role of this variant in disease. Therefore, it has been classified as a Variant of Uncertain Significance. Algorithms developed to predict the effect of sequence changes on RNA splicing suggest that this variant may create or strengthen a splice site. Advanced modeling of protein sequence and biophysical properties (such as structural, functional, and spatial information, amino acid conservation, physicochemical variation, residue mobility, and thermodynamic stability) performed at Invitae indicates that this missense variant is not expected to disrupt DUOX2 protein function. This variant has not been reported in the literature in individuals affected with DUOX2-related conditions. This sequence change replaces alanine, which is neutral and non-polar, with serine, which is neutral and polar, at codon 1122 of the DUOX2 protein (p.Ala1122Ser).